The following is an entry in ClinVar:

NM_178857.6(RP1L1):c.6836C>T (p.Pro2279Leu)

Gene: RP1L1 (RP1 like 1). Cytogenetic location: 8p23.1.
Variant type: single nucleotide variant.
Coding change: c.6836C>T on transcript NM_178857.6 (MANE Select); coding-DNA position 6836, C replaced by T.
Protein change: p.Pro2279Leu; replaces proline 2279 with leucine.
Molecular consequence: missense variant.
Genome position (GRCh38, 1-based): chr8:10,607,262, G>A on the plus strand (C>T on the coding strand, the complement: RP1L1 is on the minus strand). VCF-style: chr8-10607262-G-A. GRCh37 (hg19) VCF-style: chr8-10464772-G-A.
Other names: c.6836C>T (NM_178857.5); short protein forms P2279L.
Identifiers: ClinVar variation 4898871 (VCV004898871.2).

ClinVar aggregate classification (germline): Uncertain significance. Review status: criteria provided, multiple submitters, no conflicts (2 of 4 stars). 2 submissions from 2 submitters: Uncertain significance (2). Last evaluated 2026-02-19.

Conditions:
RP1L1-related disorder. Also called: RP1L1-related condition.

Submissions (2):

PreventionGenetics, part of Exact Sciences
Classification: Uncertain significance for RP1L1-related condition. Last evaluated: 2026-02-19. Review status: criteria provided, single submitter. Criteria: ACMG Guidelines, 2015. Collection method: clinical testing. Allele origin: germline.
Comment: The RP1L1 c.6836C>T variant is predicted to result in the amino acid substitution p.Pro2279Leu. To our knowledge, this variant has not been reported in the literature. This variant is present in 0.098% of alleles in individuals of South Asian descent in gnomAD, which may be too common to be an unreported cause of disease. Although we suspect that this variant may be benign, at this time, the clinical significance of this variant is uncertain due to the absence of conclusive functional and genetic evidence.

Blueprint Genetics
Classification: Uncertain significance. Last evaluated: 2023-05-16. Review status: criteria provided, single submitter. Criteria: ACMG Guidelines, 2015. Collection method: clinical testing. Allele origin: germline.